The following is an entry in ClinVar:

ClinVar aggregate classification (germline): Uncertain significance. Review status: reviewed by expert panel (3 of 4 stars). 2 submissions from 2 submitters: Uncertain significance (1). 1 of the submissions does not count toward it. Last evaluated 2022-09-23.

Conditions:
Very long chain acyl-CoA dehydrogenase deficiency (ACADVLD). Also called: VLCAD Deficiency; Very Long-Chain Acyl-Coenzyme A Dehydrogenase Deficiency. Identifiers: Orphanet 26793, MedGen C3887523, MONDO:0008723, OMIM 201475.

Submissions (2):

ClinGen ACADVL Variant Curation Expert Panel, ClinGen
Classification: Uncertain significance for Very long chain acyl-CoA dehydrogenase deficiency. Last evaluated: 2022-09-23. Review status: reviewed by expert panel. Criteria: clingen acadvl acmg specifications v1. Collection method: curation. Allele origin: germline. Inheritance: Autosomal recessive inheritance.
Comment: The c.430C>G variant in ACADVL is a missense variant predicted to cause substitution of leucine by valine at amino acid 144 (p.Leu144Val). One patient with this variant had a 10% residual enzyme activity of wildtype measured from lymphocytes, which is highly specific for VLCAD deficiency (PP4_supporting, PMID:30194637). This variant is absent from gnomAD v2.1.1 (PM2_Supporting). The computational predictor REVEL gives a score of 0.77, which is above the threshold of 0.75, evidence that correlates with impact to ACADVL function (PP3). In summary, this variant meets the criteria to be classified as VUS for autosomal recessive VLCAD deficiency based on the ACMG/AMP criteria applied, as specified by the ClinGen ACADVL Variant Curation Expert Panel: (PM2_Supporting,PP3, PP4_supporting)

Labcorp Genetics (formerly Invitae), Labcorp
Classification: Likely pathogenic for Very long chain acyl-CoA dehydrogenase deficiency. Last evaluated: 2022-07-06. Review status: criteria provided, single submitter. Criteria: Invitae Variant Classification Sherloc (09022015). Collection method: clinical testing. Allele origin: germline. Not counted in ClinVar's aggregate classification.
Comment: This sequence change replaces leucine, which is neutral and non-polar, with valine, which is neutral and non-polar, at codon 144 of the ACADVL protein (p.Leu144Val). This variant is not present in population databases (gnomAD no frequency). In summary, the currently available evidence indicates that the variant is pathogenic, but additional data are needed to prove that conclusively. Therefore, this variant has been classified as Likely Pathogenic. Advanced modeling of protein sequence and biophysical properties (such as structural, functional, and spatial information, amino acid conservation, physicochemical variation, residue mobility, and thermodynamic stability) performed at Invitae indicates that this missense variant is expected to disrupt ACADVL protein function. This missense change has been observed in individual(s) with very-long chain acyl-CoA dehydrogenase deficiency (PMID: 30194637).

Literature cited by the submitters: PubMed 30194637 (cited by Labcorp Genetics (formerly Invitae), Labcorp).

NM_000018.4(ACADVL):c.430C>G (p.Leu144Val)

Gene: ACADVL (acyl-CoA dehydrogenase very long chain; plus strand). Cytogenetic location: 17p13.1.
Variant type: single nucleotide variant.
Coding change: c.430C>G on transcript NM_000018.4 (MANE Select); coding-DNA position 430, C replaced by G.
Protein change: p.Leu144Val; replaces leucine 144 with valine.
Molecular consequence: missense variant.
Genome position (GRCh38, 1-based): chr17:7,221,011, C>G. VCF-style: chr17-7221011-C-G. GRCh37 (hg19) VCF-style: chr17-7124330-C-G.
Other names: c.364C>G, p.Leu122Val (NM_001033859.3); c.499C>G, p.Leu167Val (NM_001270447.2); c.202C>G, p.Leu68Val (NM_001270448.2); short protein forms L122V, L144V, L167V, L68V.
Identifiers: ClinVar variation 1707704 (VCV001707704.6), dbSNP rs2508264631, ClinGen allele CA397722888.